The following is an entry in ClinVar:

ClinVar aggregate classification (germline): Uncertain significance. Review status: criteria provided, multiple submitters, no conflicts (2 of 4 stars). 4 submissions from 4 submitters: Uncertain significance (4). Last evaluated 2023-10-22.

Conditions:
Microcephaly, normal intelligence and immunodeficiency (NBS). Also called: Immunodeficiency, microcephaly with normal intelligence; SEEMANOVA SYNDROME II; Nijmegen breakage syndrome; Microcephaly with normal intelligence immunodeficiency and lymphoreticular malignancies; Nonsyndromal microcephaly autosomal recessive with normal intelligence; Seemanova syndrome 2. Identifiers: Orphanet 647, MedGen C0398791, MONDO:0009623, OMIM 251260.
Hereditary cancer-predisposing syndrome. Also called: Hereditary Cancer Syndrome; Neoplastic Syndromes, Hereditary; Tumor predisposition; Hereditary neoplastic syndrome. Identifiers: Orphanet 140162, MedGen C0027672, MeSH D009386, MONDO:0015356.

Allele frequency attached by ClinVar (database versions not stated): gnomAD exomes below 0.00001; TOPMed below 0.00001.

Submissions (4):

Ambry Genetics
Classification: Uncertain significance for Hereditary cancer-predisposing syndrome. Last evaluated: 2023-10-22. Review status: criteria provided, single submitter. Criteria: Ambry Variant Classification Scheme 2023. Collection method: clinical testing. Allele origin: germline.
Comment: The p.G311E variant (also known as c.932G>A), located in coding exon 8 of the NBN gene, results from a G to A substitution at nucleotide position 932. The glycine at codon 311 is replaced by glutamic acid, an amino acid with similar properties. This amino acid position is highly conserved in available vertebrate species. In addition, this alteration is predicted to be deleterious by in silico analysis. Since supporting evidence is limited at this time, the clinical significance of this alteration remains unclear.

Labcorp Genetics (formerly Invitae), Labcorp
Classification: Uncertain significance for Microcephaly, normal intelligence and immunodeficiency. Last evaluated: 2023-08-30. Review status: criteria provided, single submitter. Criteria: Invitae Variant Classification Sherloc (09022015). Collection method: clinical testing. Allele origin: germline.
Comment: In summary, the available evidence is currently insufficient to determine the role of this variant in disease. Therefore, it has been classified as a Variant of Uncertain Significance. An algorithm developed to predict the effect of missense changes on protein structure and function (PolyPhen-2) suggests that this variant is likely to be disruptive. ClinVar contains an entry for this variant (Variation ID: 631045). This variant has not been reported in the literature in individuals affected with NBN-related conditions. This variant is not present in population databases (gnomAD no frequency). This sequence change replaces glycine, which is neutral and non-polar, with glutamic acid, which is acidic and polar, at codon 311 of the NBN protein (p.Gly311Glu).

Genome-Nilou Lab
Classification: Uncertain significance for Microcephaly, normal intelligence and immunodeficiency. Last evaluated: 2021-11-07. Review status: criteria provided, single submitter. Criteria: ACMG Guidelines, 2015. Collection method: clinical testing. Allele origin: germline. Affected: no.

GeneDx
Classification: Uncertain significance. Last evaluated: 2019-10-08. Review status: criteria provided, single submitter. Criteria: GeneDx Variant Classification Process June 2021. Collection method: clinical testing. Allele origin: germline. Affected: yes.
Comment: Not observed in large population cohorts (Lek et al., 2016); In silico analysis, which includes protein predictors and evolutionary conservation, supports a deleterious effect; Has not been previously published as pathogenic or benign to our knowledge

NM_002485.5(NBN):c.932G>A (p.Gly311Glu)

Gene: NBN (nibrin; minus strand). Cytogenetic location: 8q21.3.
Variant type: single nucleotide variant.
Coding change: c.932G>A on transcript NM_002485.5 (MANE Select); coding-DNA position 932, G replaced by A.
Protein change: p.Gly311Glu; replaces glycine 311 with glutamic acid.
Molecular consequence: missense variant.
Genome position (GRCh38, 1-based): chr8:89,964,472, C>T on the plus strand (G>A on the coding strand, the complement: NBN is on the minus strand). VCF-style: chr8-89964472-C-T. GRCh37 (hg19) VCF-style: chr8-90976700-C-T.
Other names: c.686G>A, p.Gly229Glu (NM_001024688.3); short protein forms G311E, G229E.
Identifiers: ClinVar variation 631045 (VCV000631045.20), dbSNP rs1563548856, ClinGen allele CA371657037.